The following is an entry in ClinVar:

ClinVar aggregate classification (germline): Uncertain significance (1 of 4 stars; one submission).

gnomAD v4.1: 1 of 1,552,332 alleles (0.000064%); no homozygotes.

Submission:

Labcorp Genetics (formerly Invitae), Labcorp
Classification: Uncertain significance. Last evaluated: 2025-04-02. Review status: criteria provided, single submitter. Criteria: Invitae Variant Classification Sherloc (09022015). Collection method: clinical testing. Allele origin: germline.
Comment: This sequence change replaces valine, which is neutral and non-polar, with methionine, which is neutral and non-polar, at codon 695 of the VAV1 protein (p.Val695Met). The frequency data for this variant in the population databases is considered unreliable, as metrics indicate poor data quality at this position in the gnomAD database. This variant has not been reported in the literature in individuals affected with VAV1-related conditions. ClinVar contains an entry for this variant (Variation ID: 3623670). An algorithm developed to predict the effect of missense changes on protein structure and function (PolyPhen-2) suggests that this variant is likely to be disruptive. In summary, the available evidence is currently insufficient to determine the role of this variant in disease. Therefore, it has been classified as a Variant of Uncertain Significance.

NM_005428.4(VAV1):c.2083G>A (p.Val695Met)

Gene: VAV1 (vav guanine nucleotide exchange factor 1; plus strand). Cytogenetic location: 19p13.3.
Variant type: single nucleotide variant.
Coding change: c.2083G>A on transcript NM_005428.4 (MANE Select); coding-DNA position 2083, G replaced by A.
Protein change: p.Val695Met; replaces valine 695 with methionine.
Molecular consequence: missense variant.
Genome position (GRCh38, 1-based): chr19:6,848,068, G>A. VCF-style: chr19-6848068-G-A. GRCh37 (hg19) VCF-style: chr19-6848079-G-A.
Other names: c.2017G>A, p.Val673Met (NM_001258206.2); c.1987G>A, p.Val663Met (NM_001258207.2); short protein forms V663M, V673M, V695M.
Identifiers: ClinVar variation 3623670 (VCV003623670.2).
Genomic context (GRCh38, chr19:6,848,068, plus strand): 5'-CCCATGGAGCGGGCAGGGGCAGAGAGCATCCTGGCCAACCGCTCGGACGGGACTTTCTTG[G>A]TGCGGCAGAGGGTGAAGGATGCAGCAGAATTTGCCATCAGCATTAAGTAACTCCTTTCTC-3'
Protein context (NP_005419.2, residues 685-705): LANRSDGTFL[Val695Met]RQRVKDAAEF